The following is an entry in ClinVar:

NM_177924.5(ASAH1):c.413A>T (p.Glu138Val)

Gene: ASAH1 (N-acylsphingosine amidohydrolase 1; minus strand). Cytogenetic location: 8p22.
Variant type: single nucleotide variant.
Coding change: c.413A>T on transcript NM_177924.5 (MANE Select); coding-DNA position 413, A replaced by T.
Protein change: p.Glu138Val; replaces glutamic acid 138 with valine.
Molecular consequence: missense variant.
Genome position (GRCh38, 1-based): chr8:18,064,501, T>A on the plus strand (A>T on the coding strand, the complement: ASAH1 is on the minus strand). VCF-style: chr8-18064501-T-A. GRCh37 (hg19) VCF-style: chr8-17922010-T-A.
Other names: c.395A>T, p.Glu132Val (NM_001127505.3); c.218A>T, p.Glu73Val (NM_001363743.2); c.461A>T, p.Glu154Val (NM_004315.6); short protein forms E138V, E154V, E132V, E73V.
Identifiers: ClinVar variation 92 (VCV000000092.7), dbSNP rs137853594, ClinGen allele CA113840.

ClinVar aggregate classification (germline): Likely pathogenic. Review status: criteria provided, multiple submitters, no conflicts (2 of 4 stars). 3 submissions from 3 submitters: Likely pathogenic (2). 1 of the submissions does not count toward it. Last evaluated 2025-10-03.

Conditions:
Farber lipogranulomatosis (FRBRL). Also called: AC DEFICIENCY; ACID CERAMIDASE DEFICIENCY; CERAMIDASE DEFICIENCY; N-LAURYLSPHINGOSINE DEACYLASE DEFICIENCY; Farber's lipogranulomatosis; Farber's disease. Identifiers: Orphanet 333, MedGen C0268255, MONDO:0009218, OMIM 228000.

Allele frequency attached by ClinVar (database versions not stated): gnomAD exomes below 0.00001.

Submissions (3):

Labcorp Genetics (formerly Invitae), Labcorp
Classification: Likely pathogenic. Last evaluated: 2025-10-03. Review status: criteria provided, single submitter. Criteria: Invitae Variant Classification Sherloc (09022015). Collection method: clinical testing. Allele origin: germline.
Comment: This sequence change replaces glutamic acid, which is acidic and polar, with valine, which is neutral and non-polar, at codon 138 of the ASAH1 protein (p.Glu138Val). The frequency data for this variant in the population databases is considered unreliable, as metrics indicate poor data quality at this position in the gnomAD database. This missense change has been observed in individual(s) with Farber lipogranulomatosis (PMID: 10610716, 11241842, 32449975, 34240417). In at least one individual the data is consistent with being in trans (on the opposite chromosome) from a pathogenic variant. ClinVar contains an entry for this variant (Variation ID: 92). Invitae Evidence Modeling of protein sequence and biophysical properties (such as structural, functional, and spatial information, amino acid conservation, physicochemical variation, residue mobility, and thermodynamic stability) indicates that this missense variant is expected to disrupt ASAH1 protein function with a positive predictive value of 80%. Experimental studies have shown that this missense change affects ASAH1 function (PMID: 10610716). Algorithms developed to predict the effect of sequence changes on RNA splicing suggest that this variant may disrupt the consensus splice site. In summary, the currently available evidence indicates that the variant is pathogenic, but additional data are needed to prove that conclusively. Therefore, this variant has been classified as Likely Pathogenic.

GeneDx
Classification: Likely pathogenic. Last evaluated: 2024-04-03. Review status: criteria provided, single submitter. Criteria: GeneDx Variant Classification Process June 2021. Collection method: clinical testing. Allele origin: germline. Affected: yes.
Comment: Published functional studies demonstrate a damaging effect, resulting in loss of enzymatic activity (PMID: 10610716, 11241842); Reported in a patient with Farber disease in published literature; study did not specify specific clinical information or if a second variant in ASAH1 was identified (PMID: 10610716); Reported along with a second variant in the ASAH1 gene in multiple patients with Farber disease in the published literature; but it is not known whether the variants occurred on the same (in cis) or on different (in trans) chromosomes in some cases (PMID: 11241842, 30815900, 32449975, 34240417); Not observed at significant frequency in large population cohorts (gnomAD); In silico analysis supports that this missense variant has a deleterious effect on protein structure/function; In silico analysis is inconclusive as to whether the variant alters gene splicing. In the absence of RNA/functional studies, the actual effect of this sequence change is unknown.; This variant is associated with the following publications: (PMID: 25525159, 11241842, 32449975, 30815900, 34240417, 10610716)

OMIM
Classification: Pathogenic for FARBER LIPOGRANULOMATOSIS. Last evaluated: 1999-12-01. Review status: no assertion criteria provided. Collection method: literature only. Allele origin: germline. Not counted in ClinVar's aggregate classification.

Literature cited by the submitters: PubMed 10610716 (cited by Labcorp Genetics (formerly Invitae), Labcorp and OMIM); PubMed 11241842 (cited by Labcorp Genetics (formerly Invitae), Labcorp); PubMed 32449975 (cited by Labcorp Genetics (formerly Invitae), Labcorp); PubMed 34240417 (cited by Labcorp Genetics (formerly Invitae), Labcorp).